The following is an entry in ClinVar:

ClinVar aggregate classification (germline): Conflicting classifications of pathogenicity. Review status: criteria provided, conflicting classifications (1 of 4 stars). 4 submissions from 4 submitters: Likely pathogenic (1); Uncertain significance (3). Last evaluated 2025-08-03.

Conditions:
Dilated cardiomyopathy 1G (CMD1G). Identifiers: Orphanet 154, MedGen C1858763, MONDO:0011400, OMIM 604145.
Autosomal recessive limb-girdle muscular dystrophy type 2J (LGMDR10). Also called: MUSCULAR DYSTROPHY, LIMB-GIRDLE, AUTOSOMAL RECESSIVE 10; Limb-girdle muscular dystrophy, type 2J. Identifiers: Orphanet 140922, MedGen C1837342, MONDO:0012127, OMIM 608807.
Familial restrictive cardiomyopathy (RCM). Identifiers: Orphanet 217635, MedGen C0340429, MONDO:0016340.

Submissions (4):

Labcorp Genetics (formerly Invitae), Labcorp
Classification: Uncertain significance for Dilated cardiomyopathy 1G; Autosomal recessive limb-girdle muscular dystrophy type 2J. Last evaluated: 2025-08-03. Review status: criteria provided, single submitter. Criteria: Invitae Variant Classification Sherloc (09022015). Collection method: clinical testing. Allele origin: germline.
Comment: This sequence change falls in intron 321 of the TTN gene. It does not directly change the encoded amino acid sequence of the TTN protein. It affects a nucleotide within the consensus splice site. This variant is present in population databases (rs536078303, gnomAD 0.08%). This variant has been observed in individual(s) with restrictive cardiomyopathy (PMID: 31568572). ClinVar contains an entry for this variant (Variation ID: 691834). Variants that disrupt the consensus splice site are a relatively common cause of aberrant splicing (PMID: 17576681, 9536098). Algorithms developed to predict the effect of sequence changes on RNA splicing suggest that this variant may disrupt the consensus splice site. This variant is located in the A band of TTN (PMID: 25589632). Variants in this region may be relevant for cardiac or neuromuscular disorders (PMID: 25589632, 23975875). In summary, the available evidence is currently insufficient to determine the role of this variant in disease. Therefore, it has been classified as a Variant of Uncertain Significance.

Revvity Omics, Revvity
Classification: Uncertain significance. Last evaluated: 2024-02-06. Review status: criteria provided, single submitter. Criteria: ACMG Guidelines, 2015. Collection method: clinical testing. Allele origin: germline.

GeneDx
Classification: Uncertain significance. Last evaluated: 2024-01-10. Review status: criteria provided, single submitter. Criteria: GeneDx Variant Classification Process June 2021. Collection method: clinical testing. Allele origin: germline. Affected: yes.
Comment: Identified in a patient with pediatric-onset restrictive cardiomyopathy; the variant was inherited from an unaffected parent (PMID: 31568572); In silico analysis supports a deleterious effect on splicing; Located in the A-band region of TTN in which the majority of loss of function variants have been associated with autosomal dominant titinopathies (PMID: 22335739); This variant is associated with the following publications: (PMID: 22335739, 31333075, 31568572)

Klaassen Lab, Charite University Medicine Berlin
Classification: Likely pathogenic for Familial restrictive cardiomyopathy. Last evaluated: 2019-07-03. Review status: criteria provided, single submitter. Criteria: ACMG Guidelines, 2015. Collection method: research. Allele origin: germline. Affected: yes.

Literature cited by the submitters: PubMed 31568572 (cited by Labcorp Genetics (formerly Invitae), Labcorp and Klaassen Lab, Charite University Medicine Berlin); PubMed 17576681 (cited by Labcorp Genetics (formerly Invitae), Labcorp); PubMed 9536098 (cited by Labcorp Genetics (formerly Invitae), Labcorp); PubMed 25589632 (cited by Labcorp Genetics (formerly Invitae), Labcorp); PubMed 23975875 (cited by Labcorp Genetics (formerly Invitae), Labcorp); PubMed 31333075 (cited by Klaassen Lab, Charite University Medicine Berlin).

NM_001267550.2(TTN):c.68329+2_68329+3insTT

Genes: TTN-AS1 (TTN antisense RNA 1; plus strand), TTN (titin; minus strand), LOC126806423 (CDK7 strongly-dependent group 2 enhancer GRCh37_chr2:179443309-179444508; plus strand). Cytogenetic location: 2q31.2.
Variant type: Insertion.
Coding change: c.68329+2_68329+3insTT on transcript NM_001267550.2 (MANE Select); the canonical splice donor site of the intron after coding-DNA position 68329 through 3 bases into the intron after coding-DNA position 68329, TT inserted.
Molecular consequence: splice donor variant.
Genome position: GRCh38 VCF-style: chr2-178578608-T-TAA. GRCh37 (hg19) VCF-style: chr2-179443335-T-TAA.
Other names: c.41134+2_41134+3insTT (NM_003319.4); c.41710+2_41710+3insTT (NM_133437.4); c.41509+2_41509+3insTT (NM_133432.3); c.60625+2_60625+3insTT (NM_133378.4); c.63406+2_63406+3insTT (NM_001256850.1).
Identifiers: ClinVar variation 691834 (VCV000691834.11), dbSNP rs536078303, ClinGen allele CA1991140.